The following is an entry in ClinVar:

NM_001374828.1(ARID1B):c.6835A>C (p.Ile2279Leu)

Gene: ARID1B (AT-rich interaction domain 1B; plus strand). Cytogenetic location: 6q25.3.
Variant type: single nucleotide variant.
Coding change: c.6835A>C on transcript NM_001374828.1 (MANE Select); coding-DNA position 6835, A replaced by C.
Protein change: p.Ile2279Leu; replaces isoleucine 2279 with leucine.
Molecular consequence: missense variant.
Genome position (GRCh38, 1-based): chr6:157,207,607, A>C. VCF-style: chr6-157207607-A-C. GRCh37 (hg19) VCF-style: chr6-157528741-A-C.
Other names: c.6466A>C (NM_020732.3); c.4336A>C, p.Ile1446Leu (NM_001363725.2); c.6715A>C, p.Ile2239Leu (NM_001371656.1, NM_001374820.1); c.6676A>C, p.Ile2226Leu (NM_017519.3); short protein forms I1446L, I2226L, I2239L, I2279L.
Identifiers: ClinVar variation 1305003 (VCV001305003.2), dbSNP rs2128398696, ClinGen allele CA366249159.

ClinVar aggregate classification (germline): Uncertain significance (1 of 4 stars; one submission).

gnomAD v4.1: 1 of 1,614,216 alleles (0.000062%); highest among the groups gnomAD compares: African/African-American, 0.0013%; no homozygotes.

Submission:

GeneDx
Classification: Uncertain significance. Last evaluated: 2019-04-04. Review status: criteria provided, single submitter. Criteria: GeneDx Variant Classification Process June 2021. Collection method: clinical testing. Allele origin: germline. Affected: yes.
Comment: Not observed in large population cohorts (Lek et al., 2016); In silico analysis, which includes protein predictors and evolutionary conservation, supports that this variant does not alter protein structure/function; Has not been previously published as pathogenic or benign to our knowledge